The following is an entry in ClinVar:

ClinVar aggregate classification (germline): Pathogenic (1 of 4 stars; one submission).

Submission:

Labcorp Genetics (formerly Invitae), Labcorp
Classification: Pathogenic. Last evaluated: 2023-11-10. Review status: criteria provided, single submitter. Criteria: Invitae Variant Classification Sherloc (09022015). Collection method: clinical testing. Allele origin: germline.
Comment: This sequence change creates a premature translational stop signal (p.Val1832Hisfs*38) in the VPS13A gene. It is expected to result in an absent or disrupted protein product. Loss-of-function variants in VPS13A are known to be pathogenic (PMID: 12404112, 21598378). This variant is not present in population databases (gnomAD no frequency). This variant has not been reported in the literature in individuals affected with VPS13A-related conditions. For these reasons, this variant has been classified as Pathogenic.

Literature cited by the submitters: PubMed 12404112; PubMed 21598378.

NM_033305.3(VPS13A):c.5494_5495del (p.Val1832fs)

Gene: VPS13A (vacuolar protein sorting 13 homolog A; plus strand). Cytogenetic location: 9q21.2.
Variant type: Deletion.
Coding change: c.5494_5495del on transcript NM_033305.3 (MANE Select); coding-DNA positions 5494 to 5495, 2 bases deleted (GT; older notation c.5494_5495delGT).
Protein change: p.Val1832fs; shifts the reading frame from valine 1832.
Molecular consequence: frameshift variant.
Genome position (GRCh38, 1-based): chr9:77,321,247-77,321,248, GT deleted; deleting any 2 consecutive bases within chr9:77,321,246-77,321,248 gives the same sequence; the c. name uses the placement nearest the transcript's 3' end. VCF-style (leftmost placement, unchanged base first): chr9-77321245-CTG-C. GRCh37 (hg19) VCF-style: chr9-79936161-CTG-C.
Other names: c.5377_5378del, p.Val1793fs (NM_001018037.2); c.5494_5495del, p.Val1832fs (NM_001018038.3, NM_015186.4); short protein forms V1793fs, V1832fs.
Identifiers: ClinVar variation 2694809 (VCV002694809.3), dbSNP rs2538007450, ClinGen allele CA2697557789.